The following is an entry in ClinVar:

NM_152274.5(CCNQ):c.297-5C>T

Gene: CCNQ (cyclin Q; minus strand). Cytogenetic location: Xq28.
Variant type: single nucleotide variant.
Coding change: c.297-5C>T on transcript NM_152274.5 (MANE Select); 5 bases into the intron before coding-DNA position 297, C replaced by T.
Molecular consequence: intron variant.
Genome position (GRCh38, 1-based): chrX:153,594,684, G>A on the plus strand (C>T on the coding strand, the complement: CCNQ is on the minus strand). VCF-style: chrX-153594684-G-A. GRCh37 (hg19) VCF-style: chrX-152860142-G-A.
Other names: c.297-5C>T (NM_001130997.3).
Identifiers: ClinVar variation 4989770 (VCV004989770.1).

ClinVar aggregate classification (germline): Likely benign (1 of 4 stars; one submission).

Conditions:
CCNQ-related disorder. Also called: CCNQ-related condition.

gnomAD v4.1: 15 of 1,211,474 alleles (0.0012%); highest among the groups gnomAD compares: East Asian, 0.03%; no homozygotes.

Submission:

PreventionGenetics, part of Exact Sciences
Classification: Likely benign for CCNQ-related condition. Last evaluated: 2026-04-23. Review status: criteria provided, single submitter. Criteria: ACMG Guidelines, 2015. Collection method: clinical testing. Allele origin: germline.
Comment: This variant is classified as likely benign based on ACMG/AMP sequence variant interpretation guidelines (Richards et al. 2015 PMID: 25741868, with internal and published modifications).